The following is an entry in ClinVar:

ClinVar aggregate classification (germline): Uncertain significance (0 of 4 stars; one submission).

Conditions:
FLNA-related disorder.

Submission:

PreventionGenetics, part of Exact Sciences
Classification: Uncertain significance for FLNA-related condition. Last evaluated: 2024-05-24. Review status: no assertion criteria provided. Collection method: clinical testing. Allele origin: germline.
Comment: The FLNA c.5690G>T variant is predicted to result in the amino acid substitution p.Gly1897Val. To our knowledge, this variant has not been reported in the literature or in a large population database, indicating this variant is rare. At this time, the clinical significance of this variant is uncertain due to the absence of conclusive functional and genetic evidence.

NM_001110556.2(FLNA):c.5690G>T (p.Gly1897Val)

Gene: FLNA (filamin A; minus strand). Cytogenetic location: Xq28.
Variant type: single nucleotide variant.
Coding change: c.5690G>T on transcript NM_001110556.2 (MANE Select); coding-DNA position 5690, G replaced by T.
Protein change: p.Gly1897Val; replaces glycine 1897 with valine.
Molecular consequence: missense variant.
Genome position (GRCh38, 1-based): chrX:154,353,724, C>A on the plus strand (G>T on the coding strand, the complement: FLNA is on the minus strand). VCF-style: chrX-154353724-C-A. GRCh37 (hg19) VCF-style: chrX-153582092-C-A.
Other names: c.5666G>T, p.Gly1889Val (NM_001456.4); short protein forms G1889V, G1897V.
Identifiers: ClinVar variation 3354762 (VCV003354762.1).